The following is an entry in ClinVar:

ClinVar aggregate classification (germline): Uncertain significance (1 of 4 stars; one submission).

gnomAD v4.1: 1 of 1,614,086 alleles (0.000062%); highest among the groups gnomAD compares: East Asian, 0.0022%; no homozygotes.

Submission:

GeneDx
Classification: Uncertain significance. Last evaluated: 2024-08-07. Review status: criteria provided, single submitter. Criteria: GeneDx Variant Classification Process June 2021. Collection method: clinical testing. Allele origin: germline. Affected: yes.
Comment: In silico analysis supports that this missense variant has a deleterious effect on protein structure/function; Has not been previously published as pathogenic or benign to our knowledge

NM_003126.4(SPTA1):c.1255A>T (p.Ile419Phe)

Gene: SPTA1 (spectrin alpha, erythrocytic 1; minus strand). Cytogenetic location: 1q23.1.
Variant type: single nucleotide variant.
Coding change: c.1255A>T on transcript NM_003126.4 (MANE Select); coding-DNA position 1255, A replaced by T.
Protein change: p.Ile419Phe; replaces isoleucine 419 with phenylalanine.
Molecular consequence: missense variant.
Genome position (GRCh38, 1-based): chr1:158,674,424, T>A on the plus strand (A>T on the coding strand, the complement: SPTA1 is on the minus strand). VCF-style: chr1-158674424-T-A. GRCh37 (hg19) VCF-style: chr1-158644214-T-A.
Other names: short protein forms I419F.
Identifiers: ClinVar variation 3603242 (VCV003603242.1).
Genomic context (GRCh38, chr1:158,674,424, plus strand): 5'-CATTCACGAGGTCTTGACCAGTCTCATCAGCAGATTGAAATCGGTCATCGTAAGAGTCAA[T>A]CTCATGCTGTGGCCACAAAACAAAGTGTCTCAAAATGCAGCAAGAAACCTGGCATTTCTG-3'
Protein context (NP_003117.2, residues 409-429): LDRHQQHKHE[Ile419Phe]DSYDDRFQSA